The following is an entry in ClinVar:

NM_000185.4(SERPIND1):c.670C>T (p.Leu224Phe)

Genes: PI4KA (phosphatidylinositol 4-kinase alpha; minus strand), SERPIND1 (serpin family D member 1; plus strand). Cytogenetic location: 22q11.21.
Variant type: single nucleotide variant.
Coding change: c.670C>T on transcript NM_000185.4 (MANE Select); coding-DNA position 670, C replaced by T.
Protein change: p.Leu224Phe; replaces leucine 224 with phenylalanine.
Molecular consequence: missense variant. On other transcripts: intron variant (3).
Genome position (GRCh38, 1-based): chr22:20,779,982, C>T. VCF-style: chr22-20779982-C-T. GRCh37 (hg19) VCF-style: chr22-21134270-C-T.
Other names: c.2262+13211G>A (NM_001362863.2); c.2328+13211G>A (NM_001362862.2, NM_058004.4); short protein forms L224F.
Identifiers: ClinVar variation 3952685 (VCV003952685.2).

ClinVar aggregate classification (germline): Uncertain significance. Review status: criteria provided, multiple submitters, no conflicts (2 of 4 stars). 2 submissions from 2 submitters: Uncertain significance (2). Last evaluated 2025-06-23.

gnomAD v4.1: 5 of 1,614,046 alleles (0.00031%); highest among the groups gnomAD compares: African/African-American, 0.0067%; no homozygotes.

Submissions (2):

GeneDx
Classification: Uncertain significance. Last evaluated: 2025-06-23. Review status: criteria provided, single submitter. Criteria: GeneDx Variant Classification Process June 2021. Collection method: clinical testing. Allele origin: germline. Affected: yes.
Comment: In silico analysis supports that this missense variant has a deleterious effect on protein structure/function; Has not been previously published as pathogenic or benign to our knowledge

Ambry Genetics
Classification: Uncertain significance. Last evaluated: 2025-03-27. Review status: criteria provided, single submitter. Criteria: Ambry Variant Classification Scheme 2023. Collection method: clinical testing. Allele origin: germline.